The following is an entry in ClinVar:

NM_014643.4(ZNF516):c.2913G>A (p.Pro971=)

Gene: ZNF516 (zinc finger protein 516; minus strand). Cytogenetic location: 18q23.
Variant type: single nucleotide variant.
Coding change: c.2913G>A on transcript NM_014643.4 (MANE Select); coding-DNA position 2913, G replaced by A.
Protein change: p.Pro971=; no amino-acid change (proline 971 retained).
Molecular consequence: synonymous variant.
Genome position (GRCh38, 1-based): chr18:76,379,201, C>T on the plus strand (G>A on the coding strand, the complement: ZNF516 is on the minus strand). VCF-style: chr18-76379201-C-T. GRCh37 (hg19) VCF-style: chr18-74091157-C-T.
Identifiers: ClinVar variation 2648816 (VCV002648816.24), dbSNP rs375660551, ClinGen allele CA9002852.

ClinVar aggregate classification (germline): Likely benign (1 of 4 stars; one submission).

Allele frequency attached by ClinVar (database versions not stated): gnomAD exomes 0.00011; ExAC 0.00035; ESP Exome Variant Server 0.00050; gnomAD 0.00065; TOPMed 0.00077; 1000 Genomes Project 0.00200; 1000 Genomes Project 30x 0.00219.
gnomAD v4.1: 278 of 1,612,842 alleles (0.017%); highest among the groups gnomAD compares: Middle Eastern, 0.31%; 1 homozygote.

Submission:

CeGaT Center for Human Genetics Tuebingen
Classification: Likely benign. Last evaluated: 2023-04-01. Review status: criteria provided, single submitter. Criteria: CeGaT Center For Human Genetics Tuebingen Variant Classification Criteria Version 2. Collection method: clinical testing. Allele origin: germline. Affected: yes. Observed: 1 variant allele.
Comment: ZNF516: BP4, BP7